The following is an entry in ClinVar:

NM_000535.7(PMS2):c.166C>T (p.Leu56=)

Gene: PMS2 (PMS1 homolog 2, mismatch repair system component; minus strand). Cytogenetic location: 7p22.1.
Variant type: single nucleotide variant.
Coding change: c.166C>T on transcript NM_000535.7 (MANE Select); coding-DNA position 166, C replaced by T.
Protein change: p.Leu56=; no amino-acid change (leucine 56 retained).
Molecular consequence: synonymous variant. On other transcripts: 5 prime UTR variant (11), non-coding transcript variant (1).
Genome position (GRCh38, 1-based): chr7:6,004,056, G>A on the plus strand (C>T on the coding strand, the complement: PMS2 is on the minus strand). VCF-style: chr7-6004056-G-A. GRCh37 (hg19) VCF-style: chr7-6043687-G-A.
Other names: c.-240C>T (NM_001322003.2, NM_001322004.2, NM_001322005.2 and 3 more transcripts); c.166C>T, p.Leu56= (NM_001322006.2, NM_001322014.2); c.-50C>T (NM_001322007.2, NM_001322008.2); c.-719C>T (NM_001322011.2, NM_001322012.2); c.-319C>T (NM_001322015.2).
Identifiers: ClinVar variation 1533034 (VCV001533034.11), dbSNP rs371011390, ClinGen allele CA453648734.
Genomic context (GRCh38, chr7:6,004,056, plus strand): 5'-CTACCCCACATCCATTGTCTGAAACTTCAATAAGATCCACTCCATAGTCCTTAAGCTTTA[G>A]ATCTAGAAAGTTTAAAATATTTACATATTTATTAAAAACGGACCCATGCTATCAGTTTTT-3'
Protein context (NP_000526.2, residues 46-66): SLDAGATNID[Leu56=]KLKDYGVDLI

ClinVar aggregate classification (germline): Benign/Likely benign. Review status: criteria provided, multiple submitters, no conflicts (2 of 4 stars). 4 submissions from 4 submitters: Benign (1); Likely benign (3). Last evaluated 2025-10-15.

Conditions:
Hereditary nonpolyposis colorectal neoplasms. Identifiers: MedGen C0009405, MeSH D003123.
Hereditary cancer-predisposing syndrome. Also called: Hereditary Cancer Syndrome; Neoplastic Syndromes, Hereditary; Tumor predisposition; Hereditary neoplastic syndrome. Identifiers: Orphanet 140162, MedGen C0027672, MeSH D009386, MONDO:0015356.
Lynch syndrome 4 (LYNCH4). Also called: Colorectal cancer, hereditary nonpolyposis, type 4; Hereditary non-polyposis colorectal cancer, type 4. Identifiers: Orphanet 144, MedGen C1838333, MONDO:0013699, OMIM 614337. Disease mechanism: loss of function.

gnomAD v4.1: 1 of 1,527,656 alleles (0.000065%); highest among the groups gnomAD compares: South Asian, 0.0011%; no homozygotes.

Submissions (4):

Labcorp Genetics (formerly Invitae), Labcorp
Classification: Likely benign for Hereditary nonpolyposis colorectal neoplasms. Last evaluated: 2025-10-15. Review status: criteria provided, single submitter. Criteria: Invitae Variant Classification Sherloc (09022015). Collection method: clinical testing. Allele origin: germline.

Color Diagnostics, LLC DBA Color Health
Classification: Likely benign for Hereditary cancer-predisposing syndrome. Last evaluated: 2025-06-09. Review status: criteria provided, single submitter. Criteria: ACMG Guidelines, 2015. Collection method: clinical testing. Allele origin: germline.

Myriad Genetics, Inc.
Classification: Benign for Lynch syndrome 4. Last evaluated: 2025-01-23. Review status: criteria provided, single submitter. Criteria: Myriad Autosomal Dominant, Autosomal Recessive and X-Linked Classification Criteria (2023). Collection method: clinical testing. Allele origin: unknown.
Comment: This variant is considered benign. This variant is a silent/synonymous amino acid change and it is not expected to impact splicing.

Ambry Genetics
Classification: Likely benign for Hereditary cancer-predisposing syndrome. Last evaluated: 2019-10-15. Review status: criteria provided, single submitter. Criteria: Ambry Variant Classification Scheme 2023. Collection method: clinical testing. Allele origin: germline.